The following is an entry in ClinVar:

ClinVar aggregate classification (germline): Uncertain significance (1 of 4 stars; one submission).

Conditions:
Contractures, pterygia, and spondylocarpotarsal fusion syndrome 1A (CPSFS1A). Also called: MULTIPLE PTERYGIUM SYNDROME, AUTOSOMAL DOMINANT; Distal arthrogryposis type 8; Contractures, pterygia, and variable skeletal fusions syndrome 1A. Identifiers: Orphanet 65743, MedGen C1867440, MONDO:0008338, OMIM 178110.

Submission:

3billion
Classification: Uncertain significance for Contractures, pterygia, and spondylocarpotarsal fusion syndrome 1A. Last evaluated: 2023-06-30. Review status: criteria provided, single submitter. Criteria: ACMG Guidelines, 2015. Collection method: clinical testing. Allele origin: germline. Affected: yes.
Comment: The variant is not observed in the gnomAD v2.1.1 dataset. Predicted Consequence/Location: Missense variant In silico tool predictions suggest damaging effect of the variant on gene or gene product (REVEL: 0.95; 3Cnet: 0.07). Therefore, this variant is classified as VUS according to the recommendation of ACMG/AMP guideline.

NM_002470.4(MYH3):c.5201A>C (p.Asp1734Ala)

Gene: MYH3 (myosin heavy chain 3; minus strand). Cytogenetic location: 17p13.1.
Variant type: single nucleotide variant.
Coding change: c.5201A>C on transcript NM_002470.4 (MANE Select); coding-DNA position 5201, A replaced by C.
Protein change: p.Asp1734Ala; replaces aspartic acid 1734 with alanine.
Molecular consequence: missense variant.
Genome position (GRCh38, 1-based): chr17:10,631,696, T>G on the plus strand (A>C on the coding strand, the complement: MYH3 is on the minus strand). VCF-style: chr17-10631696-T-G. GRCh37 (hg19) VCF-style: chr17-10535013-T-G.
Other names: short protein forms D1734A.
Identifiers: ClinVar variation 3776037 (VCV003776037.1).
Genomic context (GRCh38, chr17:10,631,696, plus strand): 5'-TCCTCAGCGTTCCTTGCATCCCTGCTGGCATCTTCTACCTCACTCTGGAGCTGCATGAGG[T>G]CTGTCTCCAGCTTCTTCTTGGTGTGGATGAGGCTGGTGTTCTAGGGCAAGAGGAGGGCTG-3'
Protein context (NP_002461.2, residues 1724-1744): LIHTKKKLET[Asp1734Ala]LMQLQSEVED